The following is an entry in ClinVar:

ClinVar aggregate classification (germline): Likely benign (0 of 4 stars; one submission).

Conditions:
MN1-related disorder. Also called: MN1-related condition.

Allele frequency attached by ClinVar (database versions not stated): ExAC 0.00016; 1000 Genomes Project 0.00040; 1000 Genomes Project 30x 0.00047; ESP Exome Variant Server 0.00050; gnomAD 0.00052.
gnomAD v4.1: 154 of 1,605,282 alleles (0.0096%); highest among the groups gnomAD compares: African/African-American, 0.16%; no homozygotes.

Submission:

PreventionGenetics, part of Exact Sciences
Classification: Likely benign for MN1-related condition. Last evaluated: 2021-05-26. Review status: no assertion criteria provided. Collection method: clinical testing. Allele origin: germline.
Comment: This variant is classified as likely benign based on ACMG/AMP sequence variant interpretation guidelines (Richards et al. 2015 PMID: 25741868, with internal and published modifications).

NM_002430.3(MN1):c.193A>C (p.Met65Leu)

Gene: MN1 (MN1 proto-oncogene, transcriptional regulator; minus strand). Cytogenetic location: 22q12.1.
Variant type: single nucleotide variant.
Coding change: c.193A>C on transcript NM_002430.3 (MANE Select); coding-DNA position 193, A replaced by C.
Protein change: p.Met65Leu; replaces methionine 65 with leucine.
Molecular consequence: missense variant.
Genome position (GRCh38, 1-based): chr22:27,800,351, T>G on the plus strand (A>C on the coding strand, the complement: MN1 is on the minus strand). VCF-style: chr22-27800351-T-G. GRCh37 (hg19) VCF-style: chr22-28196339-T-G.
Other names: short protein forms M65L.
Identifiers: ClinVar variation 3054834 (VCV003054834.2), dbSNP rs199615090, ClinGen allele CA10166617.